The following is an entry in ClinVar:

ClinVar aggregate classification (germline): Uncertain significance (1 of 4 stars; one submission).

Allele frequency attached by ClinVar (database versions not stated): gnomAD 0.00001; TOPMed 0.00001; ExAC 0.00001.

Submission:

GeneDx
Classification: Uncertain significance. Last evaluated: 2022-05-10. Review status: criteria provided, single submitter. Criteria: GeneDx Variant Classification Process June 2021. Collection method: clinical testing. Allele origin: germline. Affected: yes.
Comment: Not observed at significant frequency in large population cohorts (gnomAD); In silico analysis supports that this missense variant has a deleterious effect on protein structure/function; Has not been previously published as pathogenic or benign to our knowledge

NM_001080449.3(DNA2):c.2269G>A (p.Asp757Asn)

Gene: DNA2 (DNA replication helicase/nuclease 2; minus strand). Cytogenetic location: 10q21.3.
Variant type: single nucleotide variant.
Coding change: c.2269G>A on transcript NM_001080449.3 (MANE Select); coding-DNA position 2269, G replaced by A.
Protein change: p.Asp757Asn; replaces aspartic acid 757 with asparagine.
Molecular consequence: missense variant. On other transcripts: non-coding transcript variant (1).
Genome position (GRCh38, 1-based): chr10:68,422,830, C>T on the plus strand (G>A on the coding strand, the complement: DNA2 is on the minus strand). VCF-style: chr10-68422830-C-T. GRCh37 (hg19) VCF-style: chr10-70182587-C-T.
Other names: short protein forms D757N.
Identifiers: ClinVar variation 1723528 (VCV001723528.2), dbSNP rs751135781, ClinGen allele CA5524858.